The following is an entry in ClinVar:

ClinVar aggregate classification (germline): Likely benign (1 of 4 stars; one submission).

Submission:

CeGaT Center for Human Genetics Tuebingen
Classification: Likely benign. Last evaluated: 2025-05-01. Review status: criteria provided, single submitter. Criteria: CeGaT Center For Human Genetics Tuebingen Variant Classification Criteria Version 2. Collection method: clinical testing. Allele origin: germline. Affected: yes. Observed: 1 variant allele.
Comment: ZRSR2: BP4, BP7, BS2

NM_005089.4(ZRSR2):c.219G>A (p.Glu73=)

Gene: ZRSR2 (zinc finger CCCH-type, RNA binding motif and serine/arginine rich 2; plus strand). Cytogenetic location: Xp22.2.
Variant type: single nucleotide variant.
Coding change: c.219G>A on transcript NM_005089.4 (MANE Select); coding-DNA position 219, G replaced by A.
Protein change: p.Glu73=; no amino-acid change (glutamic acid 73 retained).
Molecular consequence: synonymous variant.
Genome position (GRCh38, 1-based): chrX:15,803,703, G>A. VCF-style: chrX-15803703-G-A. GRCh37 (hg19) VCF-style: chrX-15821826-G-A.
Identifiers: ClinVar variation 3905214 (VCV003905214.10).